The following is an entry in ClinVar:

ClinVar aggregate classification (germline): Pathogenic (1 of 4 stars; one submission).

Submission:

Baylor Genetics
Classification: Pathogenic. Last evaluated: 2018-11-01. Review status: criteria provided, single submitter. Criteria: ACMG CNV Guidelines, 2011. Collection method: clinical testing. Allele origin: paternal. Affected: yes. Observed: 1 variant allele.
Comment: Deletions involving this region have been previously reported in patients with developmental delay, microcephaly, epilepsy, short stature, facial dysmorphism and behavioral problems [PMID: 23637818, 19843651]

GRCh37/hg19 16p13.11(chr16:15521713-16292235)

Genes: BMERB1 (bMERB domain containing 1; plus strand), CEP20 (centrosomal protein 20; minus strand), ABCC1 (ATP binding cassette subfamily C member 1 (ABCC1 blood group); plus strand), ABCC6 (ATP binding cassette subfamily C member 6; minus strand), MARF1 (meiosis regulator and mRNA stability factor 1; minus strand) and 2 more. Cytogenetic location: 16p13.11.
Variant type: copy number loss.
Identifiers: ClinVar variation 625574 (VCV000625574.1).